The following is an entry in ClinVar:

NM_006073.4(TRDN):c.1549A>G (p.Lys517Glu)

Gene: TRDN (triadin; minus strand). Cytogenetic location: 6q22.31.
Variant type: single nucleotide variant.
Coding change: c.1549A>G on transcript NM_006073.4 (MANE Select); coding-DNA position 1549, A replaced by G.
Protein change: p.Lys517Glu; replaces lysine 517 with glutamic acid.
Molecular consequence: missense variant.
Genome position (GRCh38, 1-based): chr6:123,278,336, T>C on the plus strand (A>G on the coding strand, the complement: TRDN is on the minus strand). VCF-style: chr6-123278336-T-C. GRCh37 (hg19) VCF-style: chr6-123599481-T-C.
Other names: short protein forms K517E.
Identifiers: ClinVar variation 1387070 (VCV001387070.12), dbSNP rs2114626106, ClinGen allele CA365565577.

ClinVar aggregate classification (germline): Uncertain significance. Review status: criteria provided, multiple submitters, no conflicts (2 of 4 stars). 3 submissions from 3 submitters: Uncertain significance (3). Last evaluated 2022-06-02.

Conditions:
Cardiovascular phenotype. Identifiers: MedGen CN230736.
Catecholaminergic polymorphic ventricular tachycardia 1. Also called: RYR2-Related Catecholaminergic Polymorphic Ventricular Tachycardia; VENTRICULAR TACHYCARDIA, STRESS-INDUCED POLYMORPHIC 1; VENTRICULAR TACHYCARDIA, CATECHOLAMINERGIC POLYMORPHIC, 1, WITH OR WITHOUT ATRIAL DYSFUNCTION AND/OR DILATED CARDIOMYOPATHY. Identifiers: Orphanet 3286, MedGen C1631597, MONDO:0011484, OMIM 604772.

Allele frequency attached by ClinVar (database versions not stated): gnomAD exomes below 0.00001.
gnomAD v4.1: 1 of 1,292,088 alleles (0.000077%); highest among the groups gnomAD compares: Non-Finnish European, 0.0001%; no homozygotes.

Submissions (3):

Labcorp Genetics (formerly Invitae), Labcorp
Classification: Uncertain significance for Catecholaminergic polymorphic ventricular tachycardia 1. Last evaluated: 2022-06-02. Review status: criteria provided, single submitter. Criteria: Invitae Variant Classification Sherloc (09022015). Collection method: clinical testing. Allele origin: germline.
Comment: This sequence change replaces lysine, which is basic and polar, with glutamic acid, which is acidic and polar, at codon 517 of the TRDN protein (p.Lys517Glu). This variant is not present in population databases (gnomAD no frequency). This variant has not been reported in the literature in individuals affected with TRDN-related conditions. ClinVar contains an entry for this variant (Variation ID: 1387070). Algorithms developed to predict the effect of missense changes on protein structure and function are either unavailable or do not agree on the potential impact of this missense change (SIFT: "Deleterious"; PolyPhen-2: "Benign"; Align-GVGD: "Class C0"). In summary, the available evidence is currently insufficient to determine the role of this variant in disease. Therefore, it has been classified as a Variant of Uncertain Significance.

Ambry Genetics
Classification: Uncertain significance for Cardiovascular phenotype. Last evaluated: 2021-02-02. Review status: criteria provided, single submitter. Criteria: Ambry Variant Classification Scheme 2023. Collection method: clinical testing. Allele origin: germline.
Comment: The p.K517E variant (also known as c.1549A>G), located in coding exon 26 of the TRDN gene, results from an A to G substitution at nucleotide position 1549. The lysine at codon 517 is replaced by glutamic acid, an amino acid with similar properties. This amino acid position is highly conserved in available vertebrate species. In addition, this alteration is predicted to be tolerated by in silico analysis. Since supporting evidence is limited at this time, the clinical significance of this alteration remains unclear.

Blueprint Genetics
Classification: Uncertain significance. Last evaluated: 2020-12-01. Review status: criteria provided, single submitter. Criteria: ACMG Guidelines, 2015. Collection method: clinical testing. Allele origin: germline.